The following is an entry in ClinVar:

ClinVar aggregate classification (germline): Uncertain significance. Review status: criteria provided, multiple submitters, no conflicts (2 of 4 stars). 2 submissions from 2 submitters: Uncertain significance (2). Last evaluated 2025-10-07.

Conditions:
Inborn genetic diseases. Identifiers: MedGen C0950123, MeSH D030342.
Baller-Gerold syndrome (BGS). Also called: CRANIOSYNOSTOSIS WITH RADIAL DEFECTS. Identifiers: Orphanet 1225, MedGen C0265308, MONDO:0009039, OMIM 218600.

Submissions (2):

Labcorp Genetics (formerly Invitae), Labcorp
Classification: Uncertain significance for Baller-Gerold syndrome. Last evaluated: 2025-10-07. Review status: criteria provided, single submitter. Criteria: Invitae Variant Classification Sherloc (09022015). Collection method: clinical testing. Allele origin: germline.
Comment: This sequence change replaces glutamic acid, which is acidic and polar, with lysine, which is basic and polar, at codon 1063 of the RECQL4 protein (p.Glu1063Lys). This variant is not present in population databases (gnomAD no frequency). This variant has not been reported in the literature in individuals affected with RECQL4-related conditions. ClinVar contains an entry for this variant (Variation ID: 2830172). Invitae Evidence Modeling of protein sequence and biophysical properties (such as structural, functional, and spatial information, amino acid conservation, physicochemical variation, residue mobility, and thermodynamic stability) indicates that this missense variant is expected to disrupt RECQL4 protein function with a positive predictive value of 80%. In summary, the available evidence is currently insufficient to determine the role of this variant in disease. Therefore, it has been classified as a Variant of Uncertain Significance.

Ambry Genetics
Classification: Uncertain significance for Inborn genetic diseases. Last evaluated: 2024-12-30. Review status: criteria provided, single submitter. Criteria: Ambry Variant Classification Scheme 2023. Collection method: clinical testing. Allele origin: germline.
Comment: The p.E1063K variant (also known as c.3187G>A), located in coding exon 18 of the RECQL4 gene, results from a G to A substitution at nucleotide position 3187. The glutamic acid at codon 1063 is replaced by lysine, an amino acid with similar properties. This amino acid position is conserved. Based on the available evidence, the clinical significance of this variant remains unclear.

NM_004260.4(RECQL4):c.3187G>A (p.Glu1063Lys)

Gene: RECQL4 (RecQ like helicase 4; minus strand). Cytogenetic location: 8q24.3.
Variant type: single nucleotide variant.
Coding change: c.3187G>A on transcript NM_004260.4 (MANE Select); coding-DNA position 3187, G replaced by A.
Protein change: p.Glu1063Lys; replaces glutamic acid 1063 with lysine.
Molecular consequence: missense variant. On other transcripts: non-coding transcript variant (3).
Genome position (GRCh38, 1-based): chr8:144,512,193, C>T on the plus strand (G>A on the coding strand, the complement: RECQL4 is on the minus strand). VCF-style: chr8-144512193-C-T. GRCh37 (hg19) VCF-style: chr8-145737576-C-T.
Other names: c.2893G>A, p.Glu965Lys (NM_001413017.1); c.2989G>A, p.Glu997Lys (NM_001413018.1); c.3262G>A, p.Glu1088Lys (NM_001413019.1); c.3091G>A, p.Glu1031Lys (NM_001413020.1); c.2116G>A, p.Glu706Lys (NM_001413021.1, NM_001413022.1, NM_001413024.1 and 4 more transcripts); c.2191G>A, p.Glu731Lys (NM_001413023.1); c.3058G>A, p.Glu1020Lys (NM_001413025.1); c.2050G>A, p.Glu684Lys (NM_001413027.1, NM_001413030.1, NM_001413032.1); and 10 more; short protein forms E1020K, E1063K, E684K, E696K, E946K, E1019K, E1053K, E574K.
Identifiers: ClinVar variation 2830172 (VCV002830172.4), dbSNP rs2537978555, ClinGen allele CA372669978.
Genomic context (GRCh38, chr8:144,512,193, plus strand): 5'-CTCCTCCCAACCTGTGAAAGGCCTGGAAGGTTCTGCGCAGACGGGCCAGGGCCTGGCGCT[C>T]CCGGGCCTGCACACGGCCATAGAGGAAGTCACATATCTGGTCCTTCTCCTCAGCGGTCAA-3'
Protein context (NP_004251.4, residues 1053-1073): DFLYGRVQAR[Glu1063Lys]RQALARLRRT